The following is an entry in ClinVar:

NM_018671.5(UNC45A):c.719G>C (p.Arg240Pro)

Gene: UNC45A (unc-45 myosin chaperone A; plus strand). Cytogenetic location: 15q26.1.
Variant type: single nucleotide variant.
Coding change: c.719G>C on transcript NM_018671.5 (MANE Select); coding-DNA position 719, G replaced by C.
Protein change: p.Arg240Pro; replaces arginine 240 with proline.
Molecular consequence: missense variant.
Genome position (GRCh38, 1-based): chr15:90,942,468, G>C. VCF-style: chr15-90942468-G-C. GRCh37 (hg19) VCF-style: chr15-91485698-G-C.
Other names: c.674G>C, p.Arg225Pro (NM_001039675.2, NM_001323621.2); c.719G>C, p.Arg240Pro (NM_001323619.1); c.284G>C, p.Arg95Pro (NM_001323620.2); short protein forms R225P, R240P, R95P.
Identifiers: ClinVar variation 1166613 (VCV001166613.12), dbSNP rs145502142, ClinGen allele CA7742651.
Genomic context (GRCh38, chr15:90,942,468, plus strand): 5'-CTTCCTTCTGTTTACCTCTCCCACCCCAGACAGTGGCAACCCTGAGCATACTGGGAACTC[G>C]GCGAGTAGTCTCCATCCTGGGCGTGGAAAGCCAGGCTGTGTCCCTGGCTGCCTGCCACCT-3'
Protein context (NP_061141.2, residues 230-250): TVATLSILGT[Arg240Pro]RVVSILGVES

ClinVar aggregate classification (germline): Benign. Review status: criteria provided, multiple submitters, no conflicts (2 of 4 stars). 3 submissions from 3 submitters: Benign (2). 1 of the submissions does not count toward it. Last evaluated 2026-02-02.

Conditions:
UNC45A-related disorder. Also called: UNC45A-related condition.

Allele frequency attached by ClinVar (database versions not stated): ESP Exome Variant Server 0.00085; 1000 Genomes Project 0.01418; 1000 Genomes Project 30x 0.01515.
gnomAD v4.1: 6,062 of 1,613,862 alleles (0.38%); highest among the groups gnomAD compares: Admixed American, 9%; 333 homozygotes.

Submissions (3):

Labcorp Genetics (formerly Invitae), Labcorp
Classification: Benign. Last evaluated: 2026-02-02. Review status: criteria provided, single submitter. Criteria: Invitae Variant Classification Sherloc (09022015). Collection method: clinical testing. Allele origin: germline.

Breakthrough Genomics
Classification: Benign. Review status: criteria provided, single submitter. Criteria: ACMG Guidelines, 2015. Collection method: not provided. Allele origin: germline. Inheritance: Autosomal recessive inheritance. Affected: yes.

PreventionGenetics, part of Exact Sciences
Classification: Benign for UNC45A-related condition. Last evaluated: 2019-02-21. Review status: no assertion criteria provided. Collection method: clinical testing. Allele origin: germline. Not counted in ClinVar's aggregate classification.
Comment: This variant is classified as benign based on ACMG/AMP sequence variant interpretation guidelines (Richards et al. 2015 PMID: 25741868, with internal and published modifications).